The following is an entry in ClinVar:

ClinVar aggregate classification (germline): Uncertain significance (1 of 4 stars; one submission).

Conditions:
Congenital myasthenic syndrome 8. Also called: Myasthenic syndrome, congenital, 8, with pre- and postsynaptic defects; MYASTHENIC SYNDROME, CONGENITAL, DUE TO AGRIN DEFICIENCY. Identifiers: Orphanet 590, MedGen C3808739, MONDO:0014052, OMIM 615120.

Allele frequency attached by ClinVar (database versions not stated): gnomAD 0.00001; TOPMed 0.00002; ExAC 0.00003.
gnomAD v4.1: 16 of 1,585,284 alleles (0.001%); highest among the groups gnomAD compares: African/African-American, 0.0027%; no homozygotes.

Submission:

Labcorp Genetics (formerly Invitae), Labcorp
Classification: Uncertain significance for Congenital myasthenic syndrome 8. Last evaluated: 2022-08-12. Review status: criteria provided, single submitter. Criteria: Invitae Variant Classification Sherloc (09022015). Collection method: clinical testing. Allele origin: germline.
Comment: This sequence change replaces arginine, which is basic and polar, with serine, which is neutral and polar, at codon 1571 of the AGRN protein (p.Arg1571Ser). This variant is present in population databases (rs752191523, gnomAD 0.009%). This variant has not been reported in the literature in individuals affected with AGRN-related conditions. Algorithms developed to predict the effect of missense changes on protein structure and function (SIFT, PolyPhen-2, Align-GVGD) all suggest that this variant is likely to be tolerated. In summary, the available evidence is currently insufficient to determine the role of this variant in disease. Therefore, it has been classified as a Variant of Uncertain Significance.

NM_198576.4(AGRN):c.4713G>T (p.Arg1571Ser)

Gene: AGRN (agrin; plus strand). Cytogenetic location: 1p36.33.
Variant type: single nucleotide variant.
Coding change: c.4713G>T on transcript NM_198576.4 (MANE Select); coding-DNA position 4713, G replaced by T.
Protein change: p.Arg1571Ser; replaces arginine 1571 with serine.
Molecular consequence: missense variant.
Genome position (GRCh38, 1-based): chr1:1,049,764, G>T. VCF-style: chr1-1049764-G-T. GRCh37 (hg19) VCF-style: chr1-985144-G-T.
Other names: c.4713G>T, p.Arg1571Ser (NM_001305275.2); c.4398G>T, p.Arg1466Ser (NM_001364727.2); short protein forms R1571S, R1466S.
Identifiers: ClinVar variation 1946796 (VCV001946796.2), dbSNP rs752191523, ClinGen allele CA509576.